The following is an entry in ClinVar:

NM_004999.4(MYO6):c.*3835C>T

Gene: MYO6 (myosin VI; plus strand). Cytogenetic location: 6q14.1.
Variant type: single nucleotide variant.
Coding change: c.*3835C>T on transcript NM_004999.4 (MANE Select); 3835 bases downstream of the stop codon, C replaced by T.
Molecular consequence: 3 prime UTR variant. On other transcripts: non-coding transcript variant (1).
Genome position (GRCh38, 1-based): chr6:75,918,847, C>T. VCF-style: chr6-75918847-C-T. GRCh37 (hg19) VCF-style: chr6-76628564-C-T.
Other names: c.*3835C>T (NM_001300899.2, NM_001368136.1, NM_001368137.1 and 3 more transcripts).
Identifiers: ClinVar variation 358049 (VCV000358049.6), dbSNP rs7742137, ClinGen allele CA10624673.

ClinVar aggregate classification (germline): Benign. Review status: criteria provided, multiple submitters, no conflicts (2 of 4 stars). 3 submissions from 2 submitters: Benign (3). Last evaluated 2021-05-13.

Conditions:
Autosomal recessive nonsyndromic hearing loss 37. Identifiers: Orphanet 90636, MedGen C1843028, MONDO:0011912, OMIM 607821.
Autosomal dominant nonsyndromic hearing loss 22. Also called: Autosomal dominant nonsyndromic deafness 22; DFNA 22. Identifiers: Orphanet 228012, MedGen C2931767, MONDO:0011660, OMIM 606346.

Allele frequency attached by ClinVar (database versions not stated): gnomAD 0.51554 and 0.51984; TOPMed 0.51943; 1000 Genomes Project 30x 0.54341; 1000 Genomes Project 0.55052.

Submissions (3):

GeneDx
Classification: Benign. Last evaluated: 2021-05-13. Review status: criteria provided, single submitter. Criteria: GeneDx Variant Classification (06012015). Collection method: clinical testing. Allele origin: germline. Affected: yes.

Illumina Laboratory Services, Illumina
Classification: Benign for Autosomal recessive nonsyndromic hearing loss 37. Last evaluated: 2018-01-12. Review status: criteria provided, single submitter. Criteria: ICSL Variant Classification Criteria 13 December 2019. Collection method: clinical testing. Allele origin: germline.
Comment: This variant was observed in the ICSL laboratory as part of a predisposition screen in an ostensibly healthy population. It had not been previously curated by ICSL or reported in the Human Gene Mutation Database (HGMD: prior to June 1st, 2018), and was therefore a candidate for classification through an automated scoring system. Utilizing variant allele frequency, disease prevalence and penetrance estimates, and inheritance mode, an automated score was calculated to assess if this variant is too frequent to cause the disease. Based on the score and internal cut-off values, a variant classified as benign is not then subjected to further curation. The score for this variant resulted in a classification of benign for this disease.

Illumina Laboratory Services, Illumina
Classification: Benign for Autosomal dominant nonsyndromic hearing loss 22. Last evaluated: 2018-01-12. Review status: criteria provided, single submitter. Criteria: ICSL Variant Classification Criteria 13 December 2019. Collection method: clinical testing. Allele origin: germline.
Comment: the same text as in the submission from Illumina Laboratory Services, Illumina above.